The following is an entry in ClinVar:

NM_000503.6(EYA1):c.1186G>A (p.Gly396Arg)

Gene: EYA1 (EYA transcriptional coactivator and phosphatase 1; minus strand). Cytogenetic location: 8q13.3.
Variant type: single nucleotide variant.
Coding change: c.1186G>A on transcript NM_000503.6 (MANE Select); coding-DNA position 1186, G replaced by A.
Protein change: p.Gly396Arg; replaces glycine 396 with arginine.
Molecular consequence: missense variant.
Genome position (GRCh38, 1-based): chr8:71,216,978, C>T on the plus strand (G>A on the coding strand, the complement: EYA1 is on the minus strand). VCF-style: chr8-71216978-C-T. GRCh37 (hg19) VCF-style: chr8-72129213-C-T.
Other names: c.1186G>A (NM_000503.4, NM_172058.3); c.1168G>A, p.Gly390Arg (NM_001288574.2, NM_172059.5); c.820G>A, p.Gly274Arg (NM_001288575.2); c.1273G>A, p.Gly425Arg (NM_001370333.1); c.1186G>A, p.Gly396Arg (NM_001370334.1, NM_001370335.1, NM_172058.4); c.1165G>A, p.Gly389Arg (NM_001370336.1); short protein forms G396R, G274R, G389R, G390R, G425R.
Identifiers: ClinVar variation 163433 (VCV000163433.7), dbSNP rs727503047, ClinGen allele CA176078.

ClinVar aggregate classification (germline): Uncertain significance. Review status: criteria provided, multiple submitters, no conflicts (2 of 4 stars). 4 submissions from 4 submitters: Uncertain significance (4). Last evaluated 2025-08-12.

Conditions:
EYA1-related disorder. Also called: EYA1-related condition.
Inborn genetic diseases. Identifiers: MedGen C0950123, MeSH D030342.
Branchiootorenal syndrome 1. Also called: Branchio-Oto-Renal Syndrome 1. Identifiers: Orphanet 107, MedGen C4551702, MONDO:0007236, OMIM 113650.
Otofaciocervical syndrome 1 (OTFCS). Identifiers: MedGen C3714941, MONDO:0024532, OMIM 166780.
Branchiootic syndrome 1 (BOS1). Also called: BO SYNDROME 1; BRANCHIOOTIC DYSPLASIA. Identifiers: MedGen C1865143, MONDO:0011258, OMIM 602588.

Allele frequency attached by ClinVar (database versions not stated): gnomAD exomes below 0.00001 and 0.00002; TOPMed 0.00001.
gnomAD v4.1: 30 of 1,613,604 alleles (0.0019%); highest among the groups gnomAD compares: Middle Eastern, 0.016%; no homozygotes.

Submissions (4):

Ambry Genetics
Classification: Uncertain significance for Inborn genetic diseases. Last evaluated: 2025-08-12. Review status: criteria provided, single submitter. Criteria: Ambry Variant Classification Scheme 2023. Collection method: clinical testing. Allele origin: germline.

PreventionGenetics, part of Exact Sciences
Classification: Uncertain significance for EYA1-related condition. Last evaluated: 2025-01-31. Review status: criteria provided, single submitter. Criteria: ACMG Guidelines, 2015. Collection method: clinical testing. Allele origin: germline.
Comment: The EYA1 c.1186G>A variant is predicted to result in the amino acid substitution p.Gly396Arg. To our knowledge, this variant has not been reported in the literature. This variant is reported in one out of ~251,000 of alleles in gnomAD. At this time, the clinical significance of this variant is uncertain due to the absence of conclusive functional and genetic evidence.

Fulgent Genetics
Classification: Uncertain significance for Branchiootorenal syndrome 1; Otofaciocervical syndrome 1; Branchiootic syndrome 1. Last evaluated: 2022-05-23. Review status: criteria provided, single submitter. Criteria: ACMG Guidelines, 2015. Collection method: clinical testing. Allele origin: unknown.

Laboratory for Molecular Medicine, Mass General Brigham Personalized Medicine
Classification: Uncertain significance. Last evaluated: 2013-10-05. Review status: criteria provided, single submitter. Criteria: LMM Criteria. Collection method: clinical testing. Allele origin: germline. Observed: 1 variant allele.
Comment: The Gly396Arg variant in EYA1 has not been reported in individuals with hearing loss or in large population studies. Computational analyses (biochemical amino a cid properties, conservation, PolyPhen2, and SIFT) suggest that the Gly396Arg va riant may impact the protein, though this information is not predictive enough t o determine pathogenicity. In summary, additional data is needed to determine th e clinical significance of this variant.